The following is an entry in ClinVar:

NM_000492.4(CFTR):c.3485G>T (p.Arg1162Leu)

Genes: CFTR-AS2 (CFTR antisense RNA 2; minus strand), CFTR (CF transmembrane conductance regulator; plus strand). Cytogenetic location: 7q31.2.
Variant type: single nucleotide variant.
Coding change: c.3485G>T on transcript NM_000492.4 (MANE Select); coding-DNA position 3485, G replaced by T.
Protein change: p.Arg1162Leu; replaces arginine 1162 with leucine.
Molecular consequence: missense variant.
Genome position (GRCh38, 1-based): chr7:117,627,538, G>T. VCF-style: chr7-117627538-G-T. GRCh37 (hg19) VCF-style: chr7-117267592-G-T.
Other names: short protein forms R1162L.
Identifiers: ClinVar variation 256253 (VCV000256253.96), dbSNP rs1800120, ClinGen allele CA4451484.
Genomic context (GRCh38, chr7:117,627,538, plus strand): 5'-GTCTGCCATTCTTAAAAACAAAAATGTTGTTATTTTTATTTCAGATGCGATCTGTGAGCC[G>T]AGTCTTTAAGTTCATTGACATGCCAACAGAAGGTAAACCTACCAAGTCAACCAAACCATA-3'
Protein context (NP_000483.3, residues 1152-1172): DVDSLMRSVS[Arg1162Leu]VFKFIDMPTE

ClinVar aggregate classification (germline): Conflicting classifications of pathogenicity. Review status: criteria provided, conflicting classifications (1 of 4 stars). 21 submissions from 21 submitters: Pathogenic (2); Likely pathogenic (2); Uncertain significance (11); Benign (2); Likely benign (3). 1 of the submissions does not count toward it. Last evaluated 2026-10-21.

Conditions:
CFTR-related disorder (CFTR-RD). Also called: CFTR-related disorders; CFTR-related condition. Identifiers: MedGen C5924204, MONDO:7770004.
Hereditary pancreatitis (PCTT). Also called: Hereditary chronic pancreatitis; PRSS1-Related Hereditary Pancreatitis. Identifiers: Orphanet 676, MedGen C0238339, MONDO:0008185, OMIM 167800.
Cystic fibrosis (CF). Also called: MUCOVISCIDOSIS. Identifiers: Orphanet 586, MedGen C0010674, MONDO:0009061, OMIM 219700. Disease mechanism: loss of function.
Bronchiectasis with or without elevated sweat chloride 1 (BESC1). Also called: Cystic Fibrosis-Like Syndrome. Identifiers: Orphanet 60033, MedGen C2749757, MONDO:0008887, OMIM 211400.
Congenital bilateral aplasia of vas deferens from CFTR mutation (CBAVD). Identifiers: Orphanet 48, MedGen C0403814, MONDO:0010178, OMIM 277180. Disease mechanism: loss of function.
Obstructive azoospermia. Identifiers: MedGen C4023106, HP:0011962.

Allele frequency attached by ClinVar (database versions not stated): ESP Exome Variant Server 0.00062; TOPMed 0.00063; 1000 Genomes Project 30x 0.00078; 1000 Genomes Project 0.00080.
gnomAD v4.1: 1,272 of 1,613,148 alleles (0.079%); highest among the groups gnomAD compares: Non-Finnish European, 0.1%; 1 homozygote.

Submissions 1 to 8 of 21:

GeneDx
Classification: Uncertain significance. Last evaluated: 2026-10-21. Review status: criteria provided, single submitter. Criteria: GeneDx Variant Classification Process June 2021. Collection method: clinical testing. Allele origin: germline.
Comment: In silico analysis supports that this missense variant has a deleterious effect on protein structure/function; This variant is associated with the following publications: (PMID: 27022295, 16481891, 23951356, 12167682, 18687795, 11788090, 19202204, 26474805, 23974870, 25824995, 17035430, 17594398, 21804385, 30230192, 18716917, 20812883, 27583671, 10571949, 34405919, 34996830, D'Alcamo2022[CaseReport], 28603918, Andelkovic2018[CaseReport], 36670555, 33020115, 38388235, 38493004, 33572515, 37389024, 37253358, 37628659, Atli2023[CaseReport], 34949556, 36529661, 35626323, 38744964, Ko2024[FunctionalStudy], 39062716, 40355967, 40650978, 41917079)

CeGaT Center for Human Genetics Tuebingen
Classification: Uncertain significance. Last evaluated: 2026-05-01. Review status: criteria provided, single submitter. Criteria: CeGaT Center For Human Genetics Tuebingen Variant Classification Criteria Version 2. Collection method: clinical testing. Allele origin: germline. Affected: yes. Observed: 5 variant alleles.

Labcorp Genetics (formerly Invitae), Labcorp
Classification: Benign for Cystic fibrosis. Last evaluated: 2026-01-30. Review status: criteria provided, single submitter. Criteria: Invitae Variant Classification Sherloc (09022015). Collection method: clinical testing. Allele origin: germline.

ARUP Laboratories, Molecular Genetics and Genomics, ARUP Laboratories
Classification: Pathogenic for Cystic fibrosis; Bronchiectasis with or without elevated sweat chloride 1; Hereditary pancreatitis; Congenital bilateral aplasia of vas deferens from CFTR mutation. Last evaluated: 2025-05-06. Review status: criteria provided, single submitter. Criteria: ARUP Molecular Germline Variant Investigation Process 2024. Collection method: clinical testing. Allele origin: germline.
Comment: The CFTR c.3485G>T, p.Arg1162Leu variant (rs1800120) has not been associated with classic cystic fibrosis (Fanen 1992, Narzi 2007, Salinas 2016, Sosnay 2013, see link to CFTR database), but is found in several individuals with CFTR-related disorders, such as bronchiectasis and chronic pancreatitis (Casals 2004, Groman 2002, Lazaro 1999, Ziedalski 2006). This variant is listed in ClinVar (Variation ID: 256253), and is found in the general population with an overall allele frequency of 0.070% (198/282012 alleles) in the Genome Aggregation Database. The variant is enriched in pancreatitis patients tested by ARUP Laboratories compared to the general population (Genome Aggregation Database), with an odds ratio of 2.0 (95 percent CI: 1.2 to 3.4, adjusted p-value: 0.04). The arginine at position 1162 is highly conserved, and computational analyses predict that this variant is deleterious (REVEL: 0.944). Although the p.Arg1162Leu variant is not expected to cause classical cystic fibrosis, when paired with a second pathogenic CFTR variant on the opposite chromosome, the p.Arg1162Leu variant may contribute to CFTR-related disorders, such as pancreatitis. References: Link to CFTR database: Casals T et al. Different CFTR mutational spectrum in alcoholic and idiopathic chronic pancreatitis? Pancreas. 2004; 28(4):374-9. PMID: 15097853. Fanen P et al. Molecular characterization of cystic fibrosis: 16 novel mutations identified by analysis of the whole cystic fibrosis conductance transmembrane regulator (CFTR) coding regions and splice site junctions. Genomics. 1992; 13(3):770-6. PMID: 1379210. Groman J et al. Variant cystic fibrosis phenotypes in the absence of CFTR mutations. N Engl J Med. 2002; 347(6):401-7. PMID: 12167682. Lazaro C et al. Missense mutations in the cystic fibrosis gene in adult patients with asthma. Hum Mutat. 1999; 14(6):510-9. PMID: 10571949. Narzi L et al. Does cystic fibrosis neonatal screening detect atypical CF forms? Extended genetic characterization and 4-year clinical follow-up. Clin Genet. 2007; 72(1):39-46. PMID: 17594398. Salinas D et al. Benign and Deleterious Cystic Fibrosis Transmembrane Conductance Regulator Mutations Identified by Sequencing in Positive Cystic Fibrosis Newborn Screen Children from California. PLoS One. 2016; 11(5):e0155624. PMID: 27214204. Sosnay PR et al. Defining the disease liability of variants in the cystic fibrosis transmembrane conductance regulator gene. Nat Genet. 2013; 45(10):1160-7. PMID: 23974870. Ziedalski T et al. Prospective analysis of cystic fibrosis transmembrane regulator mutations in adults with bronchiectasis or pulmonary nontuberculous mycobacterial infection. Chest. 2006; 130(4):995-1002. PMID: 17035430.

Ambry Genetics
Classification: Uncertain significance for Cystic fibrosis. Last evaluated: 2025-03-17. Review status: criteria provided, single submitter. Criteria: Ambry Variant Classification Scheme 2023. Collection method: clinical testing. Allele origin: germline.
Comment: The p.R1162L variant (also known as c.3485G>T), located in coding exon 22 of the CFTR gene, results from a G to T substitution at nucleotide position 3485. The arginine at codon 1162 is replaced by leucine, an amino acid with dissimilar properties. This variant has been observed with a pathogenic mutation and other CFTR alterations in individuals described with atypical cystic fibrosis, and reportedly asymptomatic individuals, but specific clinical information was limited (Groman JD et al. N Engl J Med. 2002;347(6):401-407; Claustres M et al. Hum Mutat. 2017;38(10):1297-1315). This variant has been detected in both pancreatitis patients and controls in CFTR pancreatitis association studies (Casals T et al. Pancreas. 2004;28(4):374-379; Tzetis M et al Clin Genet. 2007; 71(5):451-457; Cohn JA et al. Hum Mutat. 2005; 26(4):303-307; Giefer MJ et al. J Pediatr. 2017;186:95-100). Functional studies found this alteration resulted in conductance of chloride similar to wild type; in addition, this alteration was identified in trans with a pathogenic mutation two times in fathers of children with cystic fibrosis (Sosnay PR et al. Nat Genet. 2013;45(10):1160-7). In another study, transfected cells exhibited protein processing and expression at near normal levels compared to wild type (Salinas DB et al. J. Cyst. Fibros., 2015 Nov;14:714-9). This amino acid position is highly conserved in available vertebrate species. In addition, this alteration is predicted to be deleterious by in silico analysis. Based on available evidence, this variant is unlikely to be causative of classic CF; however, its clinical contribution to the development of a CFTR-related disorder is uncertain.

Laboratory of Genetics, Children's Clinical University Hospital Latvia
Classification: Likely pathogenic. Last evaluated: 2025-02-16. Review status: criteria provided, single submitter. Criteria: ACMG Guidelines, 2015. Collection method: clinical testing. Allele origin: germline. Affected: yes.

Quest Diagnostics Nichols Institute San Juan Capistrano
Classification: Uncertain significance. Last evaluated: 2025-01-20. Review status: criteria provided, single submitter. Criteria: Quest Diagnostics criteria. Collection method: clinical testing. Allele origin: unknown.
Comment: The CFTR c.3485G>T (p.Arg1162Leu) variant has been reported in the published literature in an individual with cystic fibrosis (CF) without a second CFTR variant being identified (PMID: 27022295 (2016)). The variant has also been reported in reportedly healthy individuals (PMID: 37628659 (2023), 28603918 (2017), 17489851 (2007)), and in multiple individuals with non-classic CF (PMID: 12167682 (2002)) and CFTR-related disorders including pancreatitis (PMID: 15097853 (2004), 23951356 (2013), 25033378 (2014)) bronchiectasis (PMID: 17035430 (2006), 33020115 (2020)), and CBAVD (PMID: 16481891 (2006)). Functional studies indicate this variant does not affect the quantity of CFTR protein, and the chloride conductance was similar to the wild type CFTR (PMID: 23974870 (2013)). This variant is not associated with classic CF but may be associated with mild symptoms or a CF-related disorder when a CF-causing mutation is present on the opposite chromosome (see CFTR2, PMID: 23974870 (2013), 25824995 (2015)). The frequency of this variant in the general population (Genome Aggregation Database) is uninformative in the assessment of its pathogenicity. Based on the available information, we are unable to determine the clinical significance of this variant.

PreventionGenetics, part of Exact Sciences
Classification: Likely benign for CFTR-related condition. Last evaluated: 2024-12-13. Review status: criteria provided, single submitter. Criteria: ACMG Guidelines, 2015. Collection method: clinical testing. Allele origin: germline.
Comment: This variant is classified as likely benign based on ACMG/AMP sequence variant interpretation guidelines (Richards et al. 2015 PMID: 25741868, with internal and published modifications).